The following is an entry in ClinVar:

ClinVar aggregate classification (germline): Uncertain significance. Review status: criteria provided, multiple submitters, no conflicts (2 of 4 stars). 3 submissions from 3 submitters: Uncertain significance (2). 1 of the submissions does not count toward it. Last evaluated 2025-12-08.

Conditions:
ANLN-related disorder. Also called: ANLN-related condition.

Allele frequency attached by ClinVar (database versions not stated): gnomAD exomes 0.00003; gnomAD 0.00007; ESP Exome Variant Server 0.00008; TOPMed 0.00011; ExAC 0.00013; 1000 Genomes Project 30x 0.00016; 1000 Genomes Project 0.00020.
gnomAD v4.1: 55 of 1,613,548 alleles (0.0034%); highest among the groups gnomAD compares: African/African-American, 0.023%; 1 homozygote.

Submissions (3):

Labcorp Genetics (formerly Invitae), Labcorp
Classification: Uncertain significance. Last evaluated: 2025-12-08. Review status: criteria provided, single submitter. Criteria: Invitae Variant Classification Sherloc (09022015). Collection method: clinical testing. Allele origin: germline.
Comment: This sequence change replaces arginine, which is basic and polar, with histidine, which is basic and polar, at codon 1040 of the ANLN protein (p.Arg1040His). This variant is present in population databases (rs151288243, gnomAD 0.04%), and has an allele count higher than expected for a pathogenic variant. This variant has not been reported in the literature in individuals affected with ANLN-related conditions. ClinVar contains an entry for this variant (Variation ID: 2170448). Invitae Evidence Modeling of protein sequence and biophysical properties (such as structural, functional, and spatial information, amino acid conservation, physicochemical variation, residue mobility, and thermodynamic stability) indicates that this missense variant is not expected to disrupt ANLN protein function with a negative predictive value of 80%. In summary, the available evidence is currently insufficient to determine the role of this variant in disease. Therefore, it has been classified as a Variant of Uncertain Significance.

GeneDx
Classification: Uncertain significance. Last evaluated: 2023-07-17. Review status: criteria provided, single submitter. Criteria: GeneDx Variant Classification Process June 2021. Collection method: clinical testing. Allele origin: germline. Affected: yes.
Comment: In silico analysis supports that this missense variant does not alter protein structure/function; Has not been previously published as pathogenic or benign to our knowledge

PreventionGenetics, part of Exact Sciences
Classification: Uncertain significance for ANLN-related condition. Last evaluated: 2024-01-09. Review status: no assertion criteria provided. Collection method: clinical testing. Allele origin: germline. Not counted in ClinVar's aggregate classification.
Comment: The ANLN c.3119G>A variant is predicted to result in the amino acid substitution p.Arg1040His. To our knowledge, this variant has not been reported in the literature. This variant is reported in 0.040% of alleles in individuals of Latino descent in gnomAD. Although we suspect that this variant may be benign, at this time, the clinical significance of this variant is uncertain due to the absence of conclusive functional and genetic evidence.

NM_018685.5(ANLN):c.3119G>A (p.Arg1040His)

Gene: ANLN (anillin, actin binding protein; plus strand). Cytogenetic location: 7p14.2.
Variant type: single nucleotide variant.
Coding change: c.3119G>A on transcript NM_018685.5 (MANE Select); coding-DNA position 3119, G replaced by A.
Protein change: p.Arg1040His; replaces arginine 1040 with histidine.
Molecular consequence: missense variant.
Genome position (GRCh38, 1-based): chr7:36,449,705, G>A. VCF-style: chr7-36449705-G-A. GRCh37 (hg19) VCF-style: chr7-36489314-G-A.
Other names: c.3119G>A (NM_018685.4); c.3008G>A, p.Arg1003His (NM_001284301.3); c.3005G>A, p.Arg1002His (NM_001284302.3); short protein forms R1040H, R1003H, R1002H.
Identifiers: ClinVar variation 2170448 (VCV002170448.7), dbSNP rs151288243, ClinGen allele CA4220099.